The following is an entry in ClinVar:

NM_001036.6(RYR3):c.5141T>C (p.Val1714Ala)

Gene: RYR3 (ryanodine receptor 3; plus strand). Cytogenetic location: 15q14.
Variant type: single nucleotide variant.
Coding change: c.5141T>C on transcript NM_001036.6 (MANE Select); coding-DNA position 5141, T replaced by C.
Protein change: p.Val1714Ala; replaces valine 1714 with alanine.
Molecular consequence: missense variant.
Genome position (GRCh38, 1-based): chr15:33,662,671, T>C. VCF-style: chr15-33662671-T-C. GRCh37 (hg19) VCF-style: chr15-33954872-T-C.
Other names: c.5141T>C (NM_001036.3); c.5141T>C, p.Val1714Ala (NM_001243996.4); short protein forms V1714A.
Identifiers: ClinVar variation 1040164 (VCV001040164.9), dbSNP rs374176908, ClinGen allele CA7459188.

ClinVar aggregate classification (germline): Uncertain significance. Review status: criteria provided, multiple submitters, no conflicts (2 of 4 stars). 2 submissions from 2 submitters: Uncertain significance (2). Last evaluated 2021-12-14.

Conditions:
Epileptic encephalopathy. Identifiers: MedGen C0543888, HP:0200134.

Allele frequency attached by ClinVar (database versions not stated): gnomAD exomes 0.00001; TOPMed 0.00001; ExAC 0.00002; gnomAD 0.00005; ESP Exome Variant Server 0.00008.

Submissions (2):

Ambry Genetics
Classification: Uncertain significance. Last evaluated: 2021-12-14. Review status: criteria provided, single submitter. Criteria: Ambry Variant Classification Scheme 2023. Collection method: clinical testing. Allele origin: germline.

Labcorp Genetics (formerly Invitae), Labcorp
Classification: Uncertain significance for Epileptic encephalopathy. Last evaluated: 2020-02-06. Review status: criteria provided, single submitter. Criteria: Invitae Variant Classification Sherloc (09022015). Collection method: clinical testing. Allele origin: germline.
Comment: In summary, the available evidence is currently insufficient to determine the role of this variant in disease. Therefore, it has been classified as a Variant of Uncertain Significance. Algorithms developed to predict the effect of missense changes on protein structure and function are either unavailable or do not agree on the potential impact of this missense change (SIFT: "Deleterious"; PolyPhen-2: "Benign"; Align-GVGD: "Class C55"). This variant has not been reported in the literature in individuals with RYR3-related conditions. This variant is present in population databases (rs374176908, ExAC 0.003%). This sequence change replaces valine with alanine at codon 1714 of the RYR3 protein (p.Val1714Ala). The valine residue is highly conserved and there is a small physicochemical difference between valine and alanine.